The following is an entry in ClinVar:

NM_006648.4(WNK2):c.1687A>G (p.Lys563Glu)

Gene: WNK2 (WNK lysine deficient protein kinase 2; plus strand). Cytogenetic location: 9q22.31.
Variant type: single nucleotide variant.
Coding change: c.1687A>G on transcript NM_006648.4 (MANE Select); coding-DNA position 1687, A replaced by G.
Protein change: p.Lys563Glu; replaces lysine 563 with glutamic acid.
Molecular consequence: missense variant.
Genome position (GRCh38, 1-based): chr9:93,247,687, A>G. VCF-style: chr9-93247687-A-G. GRCh37 (hg19) VCF-style: chr9-96009969-A-G.
Other names: c.1687A>G, p.Lys563Glu (NM_001282394.3); short protein forms K563E.
Identifiers: ClinVar variation 3982205 (VCV003982205.1).

ClinVar aggregate classification (germline): Uncertain significance (1 of 4 stars; one submission).

gnomAD v4.1: 3 of 1,572,178 alleles (0.00019%); highest among the groups gnomAD compares: Non-Finnish European, 0.00017%; no homozygotes.

Submission:

Ambry Genetics
Classification: Uncertain significance. Last evaluated: 2025-06-12. Review status: criteria provided, single submitter. Criteria: Ambry Variant Classification Scheme 2023. Collection method: clinical testing. Allele origin: germline.
Comment: The p.K563E variant (also known as c.1687A>G), located in coding exon 7 of the WNK2 gene, results from an A to G substitution at nucleotide position 1687. The lysine at codon 563 is replaced by glutamic acid, an amino acid with similar properties. This amino acid position is conserved. In addition, this alteration is predicted to be tolerated by in silico analysis. Based on the available evidence, the clinical significance of this variant remains unclear.